The following is an entry in ClinVar:

ClinVar aggregate classification (germline): Uncertain significance (1 of 4 stars; one submission).

gnomAD v4.1: 6 of 1,613,670 alleles (0.00037%); highest among the groups gnomAD compares: African/African-American, 0.004%; no homozygotes.

Submission:

Women's Health and Genetics/Laboratory Corporation of America, LabCorp
Classification: Uncertain significance. Last evaluated: 2026-04-15. Review status: criteria provided, single submitter. Criteria: LabCorp Variant Classification Summary - May 2015. Collection method: clinical testing. Allele origin: germline.
Comment: Variant summary: FLRT3 c.608G>A (p.Arg203His) results in a non-conservative amino acid change in the encoded protein sequence. Algorithms developed to predict the effect of missense changes on protein structure and function are either unavailable or do not agree on the potential impact of this missense change. The frequency data for this variant in gnomAD is considered unreliable, as metrics indicate poor data quality at this position. To our knowledge, no occurrence of c.608G>A in individuals affected with FLRT3-related conditions and no experimental evidence demonstrating its impact on protein function have been reported. No submitters have cited clinical-significance assessments for this variant to ClinVar. Based on the evidence outlined above, the variant was classified as uncertain significance.

NM_198391.3(FLRT3):c.608G>A (p.Arg203His)

Genes: FLRT3 (fibronectin leucine rich transmembrane protein 3; minus strand), MACROD2 (mono-ADP ribosylhydrolase 2; plus strand). Cytogenetic location: 20p12.1.
Variant type: single nucleotide variant.
Coding change: c.608G>A on transcript NM_198391.3 (MANE Select); coding-DNA position 608, G replaced by A.
Protein change: p.Arg203His; replaces arginine 203 with histidine.
Molecular consequence: missense variant. On other transcripts: intron variant (3).
Genome position (GRCh38, 1-based): chr20:14,326,899, C>T on the plus strand (G>A on the coding strand, the complement: FLRT3 is on the minus strand). VCF-style: chr20-14326899-C-T. GRCh37 (hg19) VCF-style: chr20-14307545-C-T.
Other names: c.608G>A, p.Arg203His (NM_013281.4); c.272-166580C>T (NM_001351661.2, NM_001351663.2, NM_080676.6); short protein forms R203H.
Identifiers: ClinVar variation 4848538 (VCV004848538.1).
Genomic context (GRCh38, chr20:14,326,899, plus strand): 5'-TTGAAGAAAACTTTGTCACCTAAACCATGATTGTTCAACAGGTTTCCATCTAGAACCAGG[C>T]GTTTTAGACTAGTGAGACCTTGAAGAGATGGTGATGAAATAGTGGATATGCGATTATCAT-3'
Protein context (NP_938205.1, residues 193-213): PSLQGLTSLK[Arg203His]LVLDGNLLNN